The following is an entry in ClinVar:

NM_007294.4(BRCA1):c.1496C>T (p.Thr499Ile)

Gene: BRCA1 (BRCA1 DNA repair associated; minus strand). Cytogenetic location: 17q21.31.
Variant type: single nucleotide variant.
Coding change: c.1496C>T on transcript NM_007294.4 (MANE Select); coding-DNA position 1496, C replaced by T.
Protein change: p.Thr499Ile; replaces threonine 499 with isoleucine.
Molecular consequence: missense variant. On other transcripts: intron variant (137).
Genome position (GRCh38, 1-based): chr17:43,094,035, G>A on the plus strand (C>T on the coding strand, the complement: BRCA1 is on the minus strand). VCF-style: chr17-43094035-G-A. GRCh37 (hg19) VCF-style: chr17-41246052-G-A.
Other names: c.1283C>T, p.Thr428Ile (NM_001407571.1, NM_001407853.1, NM_001407894.1 and 9 more transcripts); c.1496C>T, p.Thr499Ile (NM_001407581.1, NM_001407582.1, NM_001407583.1 and 30 more transcripts); c.1493C>T, p.Thr498Ile (NM_001407587.1, NM_001407590.1, NM_001407591.1 and 22 more transcripts); c.1487C>T, p.Thr496Ile (NM_001407646.1, NM_001407647.1); c.1373C>T, p.Thr458Ile (NM_001407648.1, NM_001407664.1, NM_001407665.1 and 19 more transcripts); c.1370C>T, p.Thr457Ile (NM_001407649.1, NM_001407670.1, NM_001407671.1 and 11 more transcripts); c.1418C>T, p.Thr473Ile (NM_001407653.1, NM_001407654.1, NM_001407655.1 and 4 more transcripts); c.1415C>T, p.Thr472Ile (NM_001407659.1, NM_001407660.1, NM_001407661.1 and 1 more transcripts); and 40 more; short protein forms T499I, T452I, T203I, T410I, T431I, T458I, T472I, T498I.
Identifiers: ClinVar variation 229940 (VCV000229940.17), dbSNP rs876658285, ClinGen allele CA10580663.

ClinVar aggregate classification (germline): Conflicting classifications of pathogenicity. Review status: criteria provided, conflicting classifications (1 of 4 stars). 3 submissions from 3 submitters: Uncertain significance (2); Likely benign (1). Last evaluated 2025-10-30.

Conditions:
Hereditary cancer-predisposing syndrome. Also called: Hereditary neoplastic syndrome; Hereditary Cancer Syndrome; Neoplastic Syndromes, Hereditary; Tumor predisposition. Identifiers: Orphanet 140162, MedGen C0027672, MeSH D009386, MONDO:0015356.
Hereditary breast ovarian cancer syndrome. Also called: Hereditary breast and ovarian cancer syndrome; Hereditary breast and ovarian cancer syndrome (HBOC); Breast and ovarian cancer; Hereditary breast and/or ovarian cancer syndrome; Hereditary breast and ovarian cancer; BRCA1- and BRCA2-Associated Hereditary Breast and Ovarian Cancer. Identifiers: Orphanet 145, MedGen C0677776, MeSH D061325, MONDO:0003582. Disease mechanism: loss of function.

gnomAD v4.1: 1 of 1,613,968 alleles (0.000062%); highest among the groups gnomAD compares: Non-Finnish European, 0.000085%; no homozygotes.

Submissions (3):

Ambry Genetics
Classification: Uncertain significance for Hereditary cancer-predisposing syndrome. Last evaluated: 2025-10-30. Review status: criteria provided, single submitter. Criteria: Ambry Variant Classification Scheme 2023. Collection method: clinical testing. Allele origin: germline.
Comment: The p.T499I variant (also known as c.1496C>T and 1615C>T), located in coding exon 9 of the BRCA1 gene, results from a C to T substitution at nucleotide position 1496. The threonine at codon 499 is replaced by isoleucine, an amino acid with some similar properties. This amino acid position is poorly conserved in available vertebrate species. In addition, the in silico prediction for this alteration is inconclusive. Since supporting evidence is limited at this time, the clinical significance of this alteration remains unclear.

Labcorp Genetics (formerly Invitae), Labcorp
Classification: Uncertain significance for Hereditary breast ovarian cancer syndrome. Last evaluated: 2024-04-29. Review status: criteria provided, single submitter. Criteria: Invitae Variant Classification Sherloc (09022015). Collection method: clinical testing. Allele origin: germline.
Comment: This sequence change replaces threonine, which is neutral and polar, with isoleucine, which is neutral and non-polar, at codon 499 of the BRCA1 protein (p.Thr499Ile). This variant is not present in population databases (gnomAD no frequency). This variant has not been reported in the literature in individuals affected with BRCA1-related conditions. ClinVar contains an entry for this variant (Variation ID: 229940). Advanced modeling of protein sequence and biophysical properties (such as structural, functional, and spatial information, amino acid conservation, physicochemical variation, residue mobility, and thermodynamic stability) performed at Invitae indicates that this missense variant is not expected to disrupt BRCA1 protein function with a negative predictive value of 95%. In summary, the available evidence is currently insufficient to determine the role of this variant in disease. Therefore, it has been classified as a Variant of Uncertain Significance.

University of Washington Department of Laboratory Medicine, University of Washington
Classification: Likely benign for Hereditary cancer-predisposing syndrome. Last evaluated: 2023-03-23. Review status: criteria provided, single submitter. Criteria: Dines et al. (Genet Med. 2020). Collection method: curation. Allele origin: germline.
Comment: Missense variant in a coldspot region where missense variants are very unlikely to be pathogenic (PMID:31911673).

BRCA1 coldspot (exon 11 using historical exon numbering). Reclassification based on statistical prior probability